The following is an entry in ClinVar:

ClinVar aggregate classification (germline): Likely benign. Review status: criteria provided, multiple submitters, no conflicts (2 of 4 stars). 2 submissions from 2 submitters: Likely benign (2). Last evaluated 2026-01-27.

Conditions:
Inborn genetic diseases. Identifiers: MedGen C0950123, MeSH D030342.

Allele frequency attached by ClinVar (database versions not stated): gnomAD 0.00006; TOPMed 0.00008; ExAC 0.00006; gnomAD exomes 0.00014.
gnomAD v4.1: 212 of 1,595,048 alleles (0.013%); highest among the groups gnomAD compares: Non-Finnish European, 0.017%; no homozygotes.

Submissions (2):

Ambry Genetics
Classification: Likely benign for Inborn genetic diseases. Last evaluated: 2026-01-27. Review status: criteria provided, single submitter. Criteria: Ambry Variant Classification Scheme 2023. Collection method: clinical testing. Allele origin: germline.

CeGaT Center for Human Genetics Tuebingen
Classification: Likely benign. Last evaluated: 2023-04-01. Review status: criteria provided, single submitter. Criteria: CeGaT Center For Human Genetics Tuebingen Variant Classification Criteria Version 2. Collection method: clinical testing. Allele origin: germline. Affected: yes. Observed: 1 variant allele.
Comment: TRIO: BP4, BS2

NM_007118.4(TRIO):c.6737T>C (p.Val2246Ala)

Gene: TRIO (trio Rho guanine nucleotide exchange factor; plus strand). Cytogenetic location: 5p15.2.
Variant type: single nucleotide variant.
Coding change: c.6737T>C on transcript NM_007118.4 (MANE Select); coding-DNA position 6737, T replaced by C.
Protein change: p.Val2246Ala; replaces valine 2246 with alanine.
Molecular consequence: missense variant. On other transcripts: non-coding transcript variant (1).
Genome position (GRCh38, 1-based): chr5:14,485,148, T>C. VCF-style: chr5-14485148-T-C. GRCh37 (hg19) VCF-style: chr5-14485257-T-C.
Other names: c.6737T>C (NM_007118.2); short protein forms V2246A.
Identifiers: ClinVar variation 2655337 (VCV002655337.24), dbSNP rs200931566, ClinGen allele CA3207226.